The following is an entry in ClinVar:

ClinVar aggregate classification (germline): Uncertain significance (1 of 4 stars; one submission).

Allele frequency attached by ClinVar (database versions not stated): gnomAD exomes below 0.00001; TOPMed 0.00001; gnomAD 0.00001.
gnomAD v4.1: 4 of 1,610,816 alleles (0.00025%); highest among the groups gnomAD compares: Admixed American, 0.0017%; no homozygotes.

Submission:

Labcorp Genetics (formerly Invitae), Labcorp
Classification: Uncertain significance. Last evaluated: 2025-10-02. Review status: criteria provided, single submitter. Criteria: Invitae Variant Classification Sherloc (09022015). Collection method: clinical testing. Allele origin: germline.
Comment: This sequence change replaces valine, which is neutral and non-polar, with isoleucine, which is neutral and non-polar, at codon 477 of the TYMP protein (p.Val477Ile). This variant is present in population databases (no rsID available, gnomAD 0.008%). This variant has not been reported in the literature in individuals affected with TYMP-related conditions. ClinVar contains an entry for this variant (Variation ID: 1409138). Invitae Evidence Modeling of protein sequence and biophysical properties (such as structural, functional, and spatial information, amino acid conservation, physicochemical variation, residue mobility, and thermodynamic stability) indicates that this missense variant is not expected to disrupt TYMP protein function with a negative predictive value of 95%. In summary, the available evidence is currently insufficient to determine the role of this variant in disease. Therefore, it has been classified as a Variant of Uncertain Significance.

NM_001953.5(TYMP):c.1429G>A (p.Val477Ile)

Genes: SCO2 (synthesis of cytochrome C oxidase 2; minus strand), TYMP (thymidine phosphorylase; minus strand), LOC130067862 (ATAC-STARR-seq lymphoblastoid silent region 13986; plus strand). Cytogenetic location: 22q13.33.
Variant type: single nucleotide variant.
Coding change: c.1429G>A on transcript NM_001953.5 (MANE Select); coding-DNA position 1429, G replaced by A.
Protein change: p.Val477Ile; replaces valine 477 with isoleucine.
Molecular consequence: missense variant. On other transcripts: intron variant (2).
Genome position (GRCh38, 1-based): chr22:50,525,790, C>T on the plus strand (G>A on the coding strand, the complement: TYMP is on the minus strand). VCF-style: chr22-50525790-C-T. GRCh37 (hg19) VCF-style: chr22-50964219-C-T.
Other names: c.1429G>A, p.Val477Ile (NM_001113755.3, NM_001113756.3, NM_001257988.1); c.1444G>A, p.Val482Ile (NM_001257989.1); c.-14+456G>A (NM_001169109.2); c.-14+211G>A (NM_001169110.1); short protein forms V477I, V482I.
Identifiers: ClinVar variation 1409138 (VCV001409138.5), dbSNP rs1489657643, ClinGen allele CA412195942.